The following is an entry in ClinVar:

NM_016070.4(MRPS23):c.37T>A (p.Phe13Ile)

Gene: MRPS23 (mitochondrial ribosomal protein S23; minus strand). Cytogenetic location: 17q22.
Variant type: single nucleotide variant.
Coding change: c.37T>A on transcript NM_016070.4 (MANE Select); coding-DNA position 37, T replaced by A.
Protein change: p.Phe13Ile; replaces phenylalanine 13 with isoleucine.
Molecular consequence: missense variant.
Genome position (GRCh38, 1-based): chr17:57,849,974, A>T on the plus strand (T>A on the coding strand, the complement: MRPS23 is on the minus strand). VCF-style: chr17-57849974-A-T. GRCh37 (hg19) VCF-style: chr17-55927335-A-T.
Other names: short protein forms F13I.
Identifiers: ClinVar variation 2169133 (VCV002169133.3), dbSNP rs750718178, ClinGen allele CA8666822.
Genomic context (GRCh38, chr17:57,849,974, plus strand): 5'-GAACCCCAGCCTGGGGGAGGCACCCTCAGCCCACCACGGCTGGGAGCACACACCGAGAGA[A>T]GATGCTCCCTACGGTTTCCAGCCGGCTGCCTGCCATGATCTGCGCCTGGTACCGAGCGTG-3'
Protein context (NP_057154.2, residues 3-23): GSRLETVGSI[Phe13Ile]SRTRDLVRAG

ClinVar aggregate classification (germline): Uncertain significance (1 of 4 stars; one submission).

Allele frequency attached by ClinVar (database versions not stated): TOPMed 0.00003; gnomAD 0.00005; gnomAD exomes 0.00008; ExAC 0.00009.
gnomAD v4.1: 116 of 1,590,276 alleles (0.0073%); highest among the groups gnomAD compares: Non-Finnish European, 0.0094%; 1 homozygote.

Submission:

Labcorp Genetics (formerly Invitae), Labcorp
Classification: Uncertain significance. Last evaluated: 2025-01-14. Review status: criteria provided, single submitter. Criteria: Invitae Variant Classification Sherloc (09022015). Collection method: clinical testing. Allele origin: germline.
Comment: This sequence change replaces phenylalanine, which is neutral and non-polar, with isoleucine, which is neutral and non-polar, at codon 13 of the MRPS23 protein (p.Phe13Ile). This variant is present in population databases (rs750718178, gnomAD 0.02%). This variant has not been reported in the literature in individuals affected with MRPS23-related conditions. ClinVar contains an entry for this variant (Variation ID: 2169133). An algorithm developed to predict the effect of missense changes on protein structure and function (PolyPhen-2) suggests that this variant¬†is likely to be tolerated. In summary, the available evidence is currently insufficient to determine the role of this variant in disease. Therefore, it has been classified as a Variant of Uncertain Significance.